The following is an entry in ClinVar:

NM_006269.2(RP1):c.6304C>A (p.Gln2102Lys)

Gene: RP1 (RP1 axonemal microtubule associated; plus strand). Cytogenetic location: 8q12.1.
Variant type: single nucleotide variant.
Coding change: c.6304C>A on transcript NM_006269.2 (MANE Select); coding-DNA position 6304, C replaced by A.
Protein change: p.Gln2102Lys; replaces glutamine 2102 with lysine.
Molecular consequence: missense variant. On other transcripts: intron variant (1).
Genome position (GRCh38, 1-based): chr8:54,630,186, C>A. VCF-style: chr8-54630186-C-A. GRCh37 (hg19) VCF-style: chr8-55542746-C-A.
Other names: c.787+7898C>A (NM_001375654.1); short protein forms Q2102K.
Identifiers: ClinVar variation 2001795 (VCV002001795.4), dbSNP rs201536102, ClinGen allele CA370991728.

ClinVar aggregate classification (germline): Uncertain significance (1 of 4 stars; one submission).

Allele frequency attached by ClinVar (database versions not stated): gnomAD exomes below 0.00001.
gnomAD v4.1: 2 of 1,613,626 alleles (0.00012%); highest among the groups gnomAD compares: Admixed American, 0.0017%; no homozygotes.

Submission:

Labcorp Genetics (formerly Invitae), Labcorp
Classification: Uncertain significance. Last evaluated: 2023-02-20. Review status: criteria provided, single submitter. Criteria: Invitae Variant Classification Sherloc (09022015). Collection method: clinical testing. Allele origin: germline.
Comment: In summary, the available evidence is currently insufficient to determine the role of this variant in disease. Therefore, it has been classified as a Variant of Uncertain Significance. An algorithm developed to predict the effect of missense changes on protein structure and function (PolyPhen-2) suggests that this variant is likely to be disruptive. This variant has not been reported in the literature in individuals affected with RP1-related conditions. This variant is present in population databases (no rsID available, gnomAD 0.003%). This sequence change replaces glutamine, which is neutral and polar, with lysine, which is basic and polar, at codon 2102 of the RP1 protein (p.Gln2102Lys).